The following is an entry in ClinVar:

NM_000141.5(FGFR2):c.389C>G (p.Ser130Cys)

Gene: FGFR2 (fibroblast growth factor receptor 2; minus strand). Cytogenetic location: 10q26.13.
Variant type: single nucleotide variant.
Coding change: c.389C>G on transcript NM_000141.5 (MANE Select); coding-DNA position 389, C replaced by G.
Protein change: p.Ser130Cys; replaces serine 130 with cysteine.
Molecular consequence: missense variant. On other transcripts: intron variant (2).
Genome position (GRCh38, 1-based): chr10:121,564,567, G>C on the plus strand (C>G on the coding strand, the complement: FGFR2 is on the minus strand). VCF-style: chr10-121564567-G-C. GRCh37 (hg19) VCF-style: chr10-123324081-G-C.
Other names: c.389C>G, p.Ser130Cys (NM_001144913.1, NM_001144914.1, NM_001144917.2 and 2 more transcripts); c.122C>G, p.Ser41Cys (NM_001144915.2, NM_001144919.2, NM_023029.3); c.110-13108C>G (NM_001144918.2, NM_001144916.2); short protein forms S130C, S41C.
Identifiers: ClinVar variation 3373212 (VCV003373212.1).
Genomic context (GRCh38, chr10:121,564,567, plus strand): 5'-TTGTTACTGTTCTCACTGACAAAATCTTCCGCACCATCGGTGTCATCCTCATCATCTCCG[G>C]ATGAGATGGCATCTGTATGCAAAAGAACATATTCCATGGATGTGTTTTTTGCAAAGCAAA-3'
Protein context (NP_000132.3, residues 120-140): FMVNVTDAIS[Ser130Cys]GDDEDDTDGA

ClinVar aggregate classification (germline): Uncertain significance (1 of 4 stars; one submission).

gnomAD v4.1: 1 of 1,613,862 alleles (0.000062%); highest among the groups gnomAD compares: Non-Finnish European, 0.000085%; no homozygotes.

Submission:

GeneDx
Classification: Uncertain significance. Last evaluated: 2024-04-29. Review status: criteria provided, single submitter. Criteria: GeneDx Variant Classification Process June 2021. Collection method: clinical testing. Allele origin: germline. Affected: yes.
Comment: Not observed at significant frequency in large population cohorts (gnomAD); In silico analysis supports that this missense variant has a deleterious effect on protein structure/function; Has not been previously published as pathogenic or benign to our knowledge